The following is an entry in ClinVar:

ClinVar aggregate classification (germline): Likely pathogenic (1 of 4 stars; one submission).

Submission:

GeneDx
Classification: Likely pathogenic. Last evaluated: 2020-03-10. Review status: criteria provided, single submitter. Criteria: GeneDx Variant Classification (06012015). Collection method: clinical testing. Allele origin: germline. Affected: yes.
Comment: The c.700-1G>T variant in the GNB1 gene has been observed in internal GeneDx clinical exome sequencing data in association with intellectual disability and seizures. This splice site variant destroys the canonical splice acceptor site in intron 9. It is predicted to cause abnormal gene splicing, either leading to an abnormal message that is subject to nonsense-mediated mRNA decay, or to an abnormal protein product if the message is used for protein translation. The c.700-1G>T variant is not observed in large population cohorts (Lek et al., 2016). Therefore, we interpret c.700-1G>T as a likely pathogenic variant.

NM_002074.5(GNB1):c.700-1G>T

Gene: GNB1 (G protein subunit beta 1; minus strand). Cytogenetic location: 1p36.33.
Variant type: single nucleotide variant.
Coding change: c.700-1G>T on transcript NM_002074.5 (MANE Select); the canonical splice acceptor site of the intron before coding-DNA position 700, G replaced by T.
Molecular consequence: splice acceptor variant.
Genome position (GRCh38, 1-based): chr1:1,789,270, C>A on the plus strand (G>T on the coding strand, the complement: GNB1 is on the minus strand). VCF-style: chr1-1789270-C-A. GRCh37 (hg19) VCF-style: chr1-1720709-C-A.
Other names: c.700-1G>T (NM_001282539.2); c.400-1G>T (NM_001282538.2).
Identifiers: ClinVar variation 870212 (VCV000870212.1), dbSNP rs1646448461, ClinGen allele CA337905103.